The following is an entry in ClinVar:

NM_002618.4(PEX13):c.674A>G (p.Asp225Gly)

Gene: PEX13 (peroxisomal biogenesis factor 13; plus strand). Cytogenetic location: 2p15.
Variant type: single nucleotide variant.
Coding change: c.674A>G on transcript NM_002618.4 (MANE Select); coding-DNA position 674, A replaced by G.
Protein change: p.Asp225Gly; replaces aspartic acid 225 with glycine.
Molecular consequence: missense variant.
Genome position (GRCh38, 1-based): chr2:61,032,000, A>G. VCF-style: chr2-61032000-A-G. GRCh37 (hg19) VCF-style: chr2-61259135-A-G.
Other names: p.Asp225Gly; short protein forms D225G.
Identifiers: ClinVar variation 258781 (VCV000258781.19), dbSNP rs116059308, ClinGen allele CA1673330.

ClinVar aggregate classification (germline): Benign/Likely benign. Review status: criteria provided, multiple submitters, no conflicts (2 of 4 stars). 6 submissions from 6 submitters: Benign (4); Likely benign (2). Last evaluated 2026-02-03.

Conditions:
Peroxisome biogenesis disorder 11A (Zellweger). Also called: Peroxisome biogenesis disorder 11A. Identifiers: Orphanet 912, MedGen C3554000, MONDO:0013949, OMIM 614883.

Allele frequency attached by ClinVar (database versions not stated): gnomAD exomes 0.00056 and 0.00163; ExAC 0.00206; gnomAD 0.00672 and 0.00690; ESP Exome Variant Server 0.00692; TOPMed 0.00707; 1000 Genomes Project 0.01178; 1000 Genomes Project 30x 0.01218.
gnomAD v4.1: 1,873 of 1,612,976 alleles (0.12%); highest among the groups gnomAD compares: African/African-American, 2.2%; 21 homozygotes.

Submissions (6):

Labcorp Genetics (formerly Invitae), Labcorp
Classification: Benign for Peroxisome biogenesis disorder 11A (Zellweger). Last evaluated: 2026-02-03. Review status: criteria provided, single submitter. Criteria: Invitae Variant Classification Sherloc (09022015). Collection method: clinical testing. Allele origin: germline.

Mayo Clinic Laboratories, Mayo Clinic
Classification: Benign. Last evaluated: 2021-06-28. Review status: criteria provided, single submitter. Criteria: ACMG Guidelines, 2015. Collection method: clinical testing. Allele origin: germline. Observed: 10 variant alleles.

Illumina Laboratory Services, Illumina
Classification: Benign for Peroxisome biogenesis disorder 11A (Zellweger). Last evaluated: 2018-01-13. Review status: criteria provided, single submitter. Criteria: ICSL Variant Classification Criteria 13 December 2019. Collection method: clinical testing. Allele origin: germline.
Comment: This variant was observed in the ICSL laboratory as part of a predisposition screen in an ostensibly healthy population. It had not been previously curated by ICSL or reported in the Human Gene Mutation Database (HGMD: prior to June 1st, 2018), and was therefore a candidate for classification through an automated scoring system. Utilizing variant allele frequency, disease prevalence and penetrance estimates, and inheritance mode, an automated score was calculated to assess if this variant is too frequent to cause the disease. Based on the score and internal cut-off values, a variant classified as benign is not then subjected to further curation. The score for this variant resulted in a classification of benign for this disease.

Center for Pediatric Genomic Medicine, Children's Mercy Hospital and Clinics
Classification: Likely benign. Last evaluated: 2016-11-28. Review status: criteria provided, single submitter. Criteria: ACMG Guidelines, 2015. Collection method: clinical testing. Allele origin: germline.
ClinVar note: Converted during submission from Likely Benign to Likely benign.

Breakthrough Genomics
Classification: Likely benign. Review status: criteria provided, single submitter. Criteria: ACMG Guidelines, 2015. Collection method: not provided. Allele origin: germline. Inheritance: Autosomal recessive inheritance. Affected: yes.

PreventionGenetics, part of Exact Sciences
Classification: Benign. Review status: criteria provided, single submitter. Criteria: ACMG Guidelines, 2015. Collection method: clinical testing. Allele origin: germline.